The following is an entry in ClinVar:

NM_020964.3(EPG5):c.4498T>A (p.Leu1500Met)

Gene: EPG5 (ectopic P-granules 5 autophagy tethering factor; minus strand). Cytogenetic location: 18q21.1.
Variant type: single nucleotide variant.
Coding change: c.4498T>A on transcript NM_020964.3 (MANE Select); coding-DNA position 4498, T replaced by A.
Protein change: p.Leu1500Met; replaces leucine 1500 with methionine.
Molecular consequence: missense variant.
Genome position (GRCh38, 1-based): chr18:45,901,144, A>T on the plus strand (T>A on the coding strand, the complement: EPG5 is on the minus strand). VCF-style: chr18-45901144-A-T. GRCh37 (hg19) VCF-style: chr18-43481109-A-T.
Other names: short protein forms L1500M.
Identifiers: ClinVar variation 1000938 (VCV001000938.11), dbSNP rs201986809, ClinGen allele CA8948839.

ClinVar aggregate classification (germline): Uncertain significance. Review status: criteria provided, multiple submitters, no conflicts (2 of 4 stars). 3 submissions from 3 submitters: Uncertain significance (3). Last evaluated 2024-06-10.

Conditions:
Vici syndrome (VICIS). Identifiers: Orphanet 1493, MedGen C1855772, MONDO:0009452, OMIM 242840.

Allele frequency attached by ClinVar (database versions not stated): gnomAD exomes 0.00001; ExAC 0.00002.
gnomAD v4.1: 24 of 1,614,178 alleles (0.0015%); highest among the groups gnomAD compares: Middle Eastern, 0.049%; no homozygotes.

Submissions (3):

Labcorp Genetics (formerly Invitae), Labcorp
Classification: Uncertain significance for Vici syndrome. Last evaluated: 2024-06-10. Review status: criteria provided, single submitter. Criteria: Invitae Variant Classification Sherloc (09022015). Collection method: clinical testing. Allele origin: germline.
Comment: This sequence change replaces leucine, which is neutral and non-polar, with methionine, which is neutral and non-polar, at codon 1500 of the EPG5 protein (p.Leu1500Met). This variant is present in population databases (rs201986809, gnomAD 0.002%). This variant has not been reported in the literature in individuals affected with EPG5-related conditions. ClinVar contains an entry for this variant (Variation ID: 1000938). Advanced modeling of protein sequence and biophysical properties (such as structural, functional, and spatial information, amino acid conservation, physicochemical variation, residue mobility, and thermodynamic stability) performed at Invitae indicates that this missense variant is expected to disrupt EPG5 protein function with a positive predictive value of 80%. In summary, the available evidence is currently insufficient to determine the role of this variant in disease. Therefore, it has been classified as a Variant of Uncertain Significance.

Revvity Omics, Revvity
Classification: Uncertain significance for Vici syndrome. Last evaluated: 2021-10-21. Review status: criteria provided, single submitter. Criteria: ACMG Guidelines, 2015. Collection method: clinical testing. Allele origin: germline.

Baylor Genetics
Classification: Uncertain significance for Vici syndrome. Last evaluated: 2020-06-08. Review status: criteria provided, single submitter. Criteria: ACMG Guidelines, 2015. Collection method: clinical testing. Allele origin: unknown. Affected: yes.
Comment: This variant was determined to be of uncertain significance according to ACMG Guidelines, 2015 [PMID:25741868].